The following is an entry in ClinVar:

ClinVar aggregate classification (germline): Uncertain significance (1 of 4 stars; one submission).

Conditions:
Breast-ovarian cancer, familial, susceptibility to, 4. Identifiers: Orphanet 145, MedGen C3280345, MONDO:0013669, OMIM 614291.

Submission:

Labcorp Genetics (formerly Invitae), Labcorp
Classification: Uncertain significance for Breast-ovarian cancer, familial, susceptibility to, 4. Last evaluated: 2023-03-31. Review status: criteria provided, single submitter. Criteria: Invitae Variant Classification Sherloc (09022015). Collection method: clinical testing. Allele origin: germline.
Comment: This sequence change replaces cysteine, which is neutral and slightly polar, with tyrosine, which is neutral and polar, at codon 43 of the RAD51D protein (p.Cys43Tyr). This variant is not present in population databases (gnomAD no frequency). This variant has not been reported in the literature in individuals affected with RAD51D-related conditions. An algorithm developed to predict the effect of missense changes on protein structure and function (PolyPhen-2) suggests that this variant is likely to be disruptive. In summary, the available evidence is currently insufficient to determine the role of this variant in disease. Therefore, it has been classified as a Variant of Uncertain Significance.

NM_002878.4(RAD51D):c.128G>A (p.Cys43Tyr)

Genes: RAD51L3-RFFL (RAD51L3-RFFL readthrough; minus strand), RAD51D (RAD51 paralog D; minus strand). Cytogenetic location: 17q12.
Variant type: single nucleotide variant.
Coding change: c.128G>A on transcript NM_002878.4 (MANE Select); coding-DNA position 128, G replaced by A.
Protein change: p.Cys43Tyr; replaces cysteine 43 with tyrosine.
Molecular consequence: missense variant. On other transcripts: non-coding transcript variant (2).
Genome position (GRCh38, 1-based): chr17:35,119,127, C>T on the plus strand (G>A on the coding strand, the complement: RAD51D is on the minus strand). VCF-style: chr17-35119127-C-T. GRCh37 (hg19) VCF-style: chr17-33446146-C-T.
Other names: c.128G>A, p.Cys43Tyr (NM_001142571.2, NM_133629.3); short protein forms C43Y.
Identifiers: ClinVar variation 2713353 (VCV002713353.3), dbSNP rs2091788178, ClinGen allele CA399091815.